The following is an entry in ClinVar:

ClinVar aggregate classification (germline): Uncertain significance (1 of 4 stars; one submission).

Conditions:
Congenital myopathy 4B, autosomal recessive. Also called: Nemaline myopathy 1, autosomal dominant or recessive. Identifiers: Orphanet 171433, Orphanet 171439, Orphanet 171881, MedGen C5829889, MONDO:0012239, OMIM 609284.
Congenital myopathy with fiber type disproportion. Also called: Congenital fiber-type disproportion myopathy; Congenital fiber-type disproportion. Identifiers: Orphanet 2020, MedGen C0546264, MONDO:0009711. Inheritance: all.

Submission:

Labcorp Genetics (formerly Invitae), Labcorp
Classification: Uncertain significance for Congenital myopathy with fiber type disproportion; Congenital myopathy 4B, autosomal recessive. Last evaluated: 2020-02-21. Review status: criteria provided, single submitter. Criteria: Invitae Variant Classification Sherloc (09022015). Collection method: clinical testing. Allele origin: unknown.
Comment: In summary, the available evidence is currently insufficient to determine the role of this variant in disease. Therefore, it has been classified as a Variant of Uncertain Significance. This variant has not been reported in the literature in individuals with TPM3-related conditions. This variant is a sub-genic deletion of the genomic region encompassing exons 3-9 of the TPM3 gene. While this deletion is not anticipated to result in nonsense mediated decay, it is expected to create a truncated protein product.

NC_000001.10:g.(?_154141771)_(154148734_?)del

Gene: TPM3 (tropomyosin 3; minus strand). Cytogenetic location: 1q21.3.
Variant type: Deletion.
Identifiers: ClinVar variation 3247694 (VCV003247694.1).